The following is an entry in ClinVar:

NM_000095.3(COMP):c.1153G>C (p.Asp385His)

Gene: COMP (cartilage oligomeric matrix protein; minus strand). Cytogenetic location: 19p13.11.
Variant type: single nucleotide variant.
Coding change: c.1153G>C on transcript NM_000095.3 (MANE Select); coding-DNA position 1153, G replaced by C.
Protein change: p.Asp385His; replaces aspartic acid 385 with histidine.
Molecular consequence: missense variant.
Genome position (GRCh38, 1-based): chr19:18,786,633, C>G on the plus strand (G>C on the coding strand, the complement: COMP is on the minus strand). VCF-style: chr19-18786633-C-G. GRCh37 (hg19) VCF-style: chr19-18897443-C-G.
Other names: short protein forms D385H.
Identifiers: ClinVar variation 2720105 (VCV002720105.3), dbSNP rs1601054715, ClinGen allele CA404887169.
Genomic context (GRCh38, chr19:18,786,633, plus strand): 5'-CCCCTATACCATCGCCATCACTGTCCTTCTGGTCTGAGTTGGGTACCCTAGGGCAGTTGT[C>G]GGCCTGGTTGCGGATCCCTGCAGAAATCCACGGGACCAGAGCCCCAAGATTGGGACCAGG-3'
Protein context (NP_000086.2, residues 375-395): IDGDRIRNQA[Asp385His]NCPRVPNSDQ

ClinVar aggregate classification (germline): Likely pathogenic (1 of 4 stars; one submission).

Submission:

Labcorp Genetics (formerly Invitae), Labcorp
Classification: Likely pathogenic. Last evaluated: 2023-06-20. Review status: criteria provided, single submitter. Criteria: Invitae Variant Classification Sherloc (09022015). Collection method: clinical testing. Allele origin: germline.
Comment: In summary, the currently available evidence indicates that the variant is pathogenic, but additional data are needed to prove that conclusively. Therefore, this variant has been classified as Likely Pathogenic. This variant disrupts the p.Asp385 amino acid residue in COMP. Other variant(s) that disrupt this residue have been determined to be pathogenic (PMID: 12483304, 28051032). This suggests that this residue is clinically significant, and that variants that disrupt this residue are likely to be disease-causing. Advanced modeling of protein sequence and biophysical properties (such as structural, functional, and spatial information, amino acid conservation, physicochemical variation, residue mobility, and thermodynamic stability) performed at Invitae indicates that this missense variant is expected to disrupt COMP protein function. This missense change has been observed in individual(s) with epiphyseal dysplasia (Invitae). This variant is not present in population databases (gnomAD no frequency). This sequence change replaces aspartic acid, which is acidic and polar, with histidine, which is basic and polar, at codon 385 of the COMP protein (p.Asp385His).

Literature cited by the submitters: PubMed 12483304; PubMed 28051032.